The following is an entry in ClinVar:

ClinVar aggregate classification (germline): Uncertain significance (1 of 4 stars; one submission).

Allele frequency attached by ClinVar (database versions not stated): gnomAD exomes below 0.00001.
gnomAD v4.1: 1 of 1,613,932 alleles (0.000062%); highest among the groups gnomAD compares: Non-Finnish European, 0.000085%; no homozygotes.

Submission:

Labcorp Genetics (formerly Invitae), Labcorp
Classification: Uncertain significance. Last evaluated: 2025-09-16. Review status: criteria provided, single submitter. Criteria: Invitae Variant Classification Sherloc (09022015). Collection method: clinical testing. Allele origin: germline.
Comment: This sequence change replaces lysine, which is basic and polar, with glutamic acid, which is acidic and polar, at codon 363 of the COL11A1 protein (p.Lys363Glu). The frequency data for this variant in the population databases is considered unreliable, as metrics indicate poor data quality at this position in the gnomAD database. This variant has not been reported in the literature in individuals affected with COL11A1-related conditions. ClinVar contains an entry for this variant (Variation ID: 1917891). Invitae Evidence Modeling of protein sequence and biophysical properties (such as structural, functional, and spatial information, amino acid conservation, physicochemical variation, residue mobility, and thermodynamic stability) indicates that this missense variant is not expected to disrupt COL11A1 protein function with a negative predictive value of 95%. In summary, the available evidence is currently insufficient to determine the role of this variant in disease. Therefore, it has been classified as a Variant of Uncertain Significance.

NM_001854.4(COL11A1):c.1087A>G (p.Lys363Glu)

Gene: COL11A1 (collagen type XI alpha 1 chain; minus strand). Cytogenetic location: 1p21.1.
Variant type: single nucleotide variant.
Coding change: c.1087A>G on transcript NM_001854.4 (MANE Select); coding-DNA position 1087, A replaced by G.
Protein change: p.Lys363Glu; replaces lysine 363 with glutamic acid.
Molecular consequence: missense variant. On other transcripts: non-coding transcript variant (1), intron variant (1).
Genome position (GRCh38, 1-based): chr1:103,022,900, T>C on the plus strand (A>G on the coding strand, the complement: COL11A1 is on the minus strand). VCF-style: chr1-103022900-T-C. GRCh37 (hg19) VCF-style: chr1-103488456-T-C.
Other names: c.970A>G, p.Lys324Glu (NM_001190709.2); c.1123A>G, p.Lys375Glu (NM_080629.3); c.898-1131A>G (NM_080630.4); short protein forms K375E, K324E, K363E.
Identifiers: ClinVar variation 1917891 (VCV001917891.5), dbSNP rs1276719478, ClinGen allele CA341154815.